The following is an entry in ClinVar:

NM_005883.3(APC2):c.4312G>A (p.Ala1438Thr)

Gene: APC2 (APC regulator of WNT signaling pathway 2; plus strand). Cytogenetic location: 19p13.3.
Variant type: single nucleotide variant.
Coding change: c.4312G>A on transcript NM_005883.3 (MANE Select); coding-DNA position 4312, G replaced by A.
Protein change: p.Ala1438Thr; replaces alanine 1438 with threonine.
Molecular consequence: missense variant.
Genome position (GRCh38, 1-based): chr19:1,467,613, G>A. VCF-style: chr19-1467613-G-A. GRCh37 (hg19) VCF-style: chr19-1467612-G-A.
Other names: c.4309G>A, p.Ala1437Thr (NM_001351273.1); c.4312G>A (NM_005883.2); short protein forms A1437T, A1438T.
Identifiers: ClinVar variation 2181905 (VCV002181905.2), dbSNP rs986278369, ClinGen allele CA304078316.

ClinVar aggregate classification (germline): Uncertain significance. Review status: criteria provided, multiple submitters, no conflicts (2 of 4 stars). 2 submissions from 2 submitters: Uncertain significance (2). Last evaluated 2024-03-18.

Conditions:
Inborn genetic diseases. Identifiers: MedGen C0950123, MeSH D030342.

Allele frequency attached by ClinVar (database versions not stated): gnomAD 0.00002; gnomAD exomes 0.00005; TOPMed 0.00007.
gnomAD v4.1: 71 of 1,498,956 alleles (0.0047%); highest among the groups gnomAD compares: Admixed American, 0.017%; no homozygotes.

Submissions (2):

Ambry Genetics
Classification: Uncertain significance for Inborn genetic diseases. Last evaluated: 2024-03-18. Review status: criteria provided, single submitter. Criteria: Ambry Variant Classification Scheme 2023. Collection method: clinical testing. Allele origin: germline.

Labcorp Genetics (formerly Invitae), Labcorp
Classification: Uncertain significance. Last evaluated: 2022-10-17. Review status: criteria provided, single submitter. Criteria: Invitae Variant Classification Sherloc (09022015). Collection method: clinical testing. Allele origin: germline.
Comment: This sequence change replaces alanine, which is neutral and non-polar, with threonine, which is neutral and polar, at codon 1438 of the APC2 protein (p.Ala1438Thr). This variant is present in population databases (no rsID available, gnomAD 0.02%). This variant has not been reported in the literature in individuals affected with APC2-related conditions. Advanced modeling of protein sequence and biophysical properties (such as structural, functional, and spatial information, amino acid conservation, physicochemical variation, residue mobility, and thermodynamic stability) performed at Invitae indicates that this missense variant is expected to disrupt APC2 protein function. In summary, the available evidence is currently insufficient to determine the role of this variant in disease. Therefore, it has been classified as a Variant of Uncertain Significance.